The following is an entry in ClinVar:

NM_022114.4(PRDM16):c.1958T>C (p.Leu653Ser)

Gene: PRDM16 (PR/SET domain 16; plus strand). Cytogenetic location: 1p36.32.
Variant type: single nucleotide variant.
Coding change: c.1958T>C on transcript NM_022114.4 (MANE Select); coding-DNA position 1958, T replaced by C.
Protein change: p.Leu653Ser; replaces leucine 653 with serine.
Molecular consequence: missense variant.
Genome position (GRCh38, 1-based): chr1:3,412,155, T>C. VCF-style: chr1-3412155-T-C. GRCh37 (hg19) VCF-style: chr1-3328719-T-C.
Other names: c.1958T>C, p.Leu653Ser (NM_199454.3); short protein forms L653S.
Identifiers: ClinVar variation 650047 (VCV000650047.13), dbSNP rs371011963, ClinGen allele CA544344.

ClinVar aggregate classification (germline): Conflicting classifications of pathogenicity. Review status: criteria provided, conflicting classifications (1 of 4 stars). 3 submissions from 3 submitters: Uncertain significance (2); Likely benign (1). Last evaluated 2025-12-21.

Conditions:
Inborn genetic diseases. Identifiers: MedGen C0950123, MeSH D030342.
Left ventricular noncompaction 8 (LVNC8). Identifiers: Orphanet 154, Orphanet 54260, MedGen C3809288, MONDO:0014152, OMIM 615373.

Allele frequency attached by ClinVar (database versions not stated): ESP Exome Variant Server 0.00008; gnomAD 0.00008 and 0.00009; 1000 Genomes Project 0.00020; 1000 Genomes Project 30x 0.00031; gnomAD exomes 0.00001 and 0.00002; ExAC 0.00002; TOPMed 0.00007.
gnomAD v4.1: 21 of 1,562,594 alleles (0.0013%); highest among the groups gnomAD compares: African/African-American, 0.027%; no homozygotes.

Submissions (3):

Labcorp Genetics (formerly Invitae), Labcorp
Classification: Uncertain significance for Left ventricular noncompaction 8. Last evaluated: 2025-12-21. Review status: criteria provided, single submitter. Criteria: Invitae Variant Classification Sherloc (09022015). Collection method: clinical testing. Allele origin: germline.
Comment: This sequence change replaces leucine, which is neutral and non-polar, with serine, which is neutral and polar, at codon 653 of the PRDM16 protein (p.Leu653Ser). This variant is present in population databases (rs371011963, gnomAD 0.03%). This variant has not been reported in the literature in individuals affected with PRDM16-related conditions. ClinVar contains an entry for this variant (Variation ID: 650047). An algorithm developed to predict the effect of missense changes on protein structure and function outputs the following: PolyPhen-2: "Benign". The serine amino acid residue is found in multiple mammalian species, which suggests that this missense change does not adversely affect protein function. In summary, the available evidence is currently insufficient to determine the role of this variant in disease. Therefore, it has been classified as a Variant of Uncertain Significance.

Ambry Genetics
Classification: Likely benign for Inborn genetic diseases. Last evaluated: 2025-04-03. Review status: criteria provided, single submitter. Criteria: Ambry Variant Classification Scheme 2023. Collection method: clinical testing. Allele origin: germline.

Fulgent Genetics
Classification: Uncertain significance for Left ventricular noncompaction 8. Last evaluated: 2021-10-04. Review status: criteria provided, single submitter. Criteria: ACMG Guidelines, 2015. Collection method: clinical testing. Allele origin: unknown.